The following is an entry in ClinVar:

ClinVar aggregate classification (germline): Pathogenic (1 of 4 stars; one submission).

Conditions:
Glycine encephalopathy 1 (GCE1). Identifiers: MedGen CN376801, MONDO:0958179, OMIM 605899.

Submission:

Myriad Genetics, Inc.
Classification: Pathogenic for Glycine encephalopathy 1. Last evaluated: 2024-04-03. Review status: criteria provided, single submitter. Criteria: Myriad Autosomal Dominant, Autosomal Recessive and X-Linked Classification Criteria (2023). Collection method: clinical testing. Allele origin: unknown.
Comment: NM_000170.2(GLDC):c.595G>T(E199*) is expected to be pathogenic in the context of glycine encephalopathy, GLDC-related. This variant is predicted to lead to an abnormal or absent protein product due to the creation of a premature termination codon in GLDC, a gene where loss-of-function variants are known to be pathogenic. Please note: this variant was assessed in the context of healthy population screening.

NM_000170.3(GLDC):c.595G>T (p.Glu199Ter)

Gene: GLDC (glycine decarboxylase; minus strand). Cytogenetic location: 9p24.1.
Variant type: single nucleotide variant.
Coding change: c.595G>T on transcript NM_000170.3 (MANE Select); coding-DNA position 595, G replaced by T.
Protein change: p.Glu199Ter; replaces glutamic acid 199 with a stop codon.
Molecular consequence: nonsense.
Genome position (GRCh38, 1-based): chr9:6,610,232, C>A on the plus strand (G>T on the coding strand, the complement: GLDC is on the minus strand). VCF-style: chr9-6610232-C-A. GRCh37 (hg19) VCF-style: chr9-6610232-C-A.
Other names: short protein forms E199*.
Identifiers: ClinVar variation 5012892 (VCV005012892.1).